The following is an entry in ClinVar:

NM_000138.5(FBN1):c.2600A>T (p.Asn867Ile)

Gene: FBN1 (fibrillin 1; minus strand). Cytogenetic location: 15q21.1.
Variant type: single nucleotide variant.
Coding change: c.2600A>T on transcript NM_000138.5 (MANE Select); coding-DNA position 2600, A replaced by T.
Protein change: p.Asn867Ile; replaces asparagine 867 with isoleucine.
Molecular consequence: missense variant.
Genome position (GRCh38, 1-based): chr15:48,495,200, T>A on the plus strand (A>T on the coding strand, the complement: FBN1 is on the minus strand). VCF-style: chr15-48495200-T-A. GRCh37 (hg19) VCF-style: chr15-48787397-T-A.
Other names: short protein forms N867I.
Identifiers: ClinVar variation 450130 (VCV000450130.3), dbSNP rs145464311, ClinGen allele CA392332584.

ClinVar aggregate classification (germline): Uncertain significance (1 of 4 stars; one submission).

Submission:

GeneDx
Classification: Uncertain significance. Last evaluated: 2026-10-14. Review status: criteria provided, single submitter. Criteria: GeneDx Variant Classification Process June 2021. Collection method: clinical testing. Allele origin: germline.
Comment: Not observed at significant frequency in large population cohorts (gnomAD); In silico analysis supports that this missense variant has a deleterious effect on protein structure/function; Does not affect a cysteine or calcium-binding residue within an EGF-like domain or a TGF-binding protein domain of the FBN1 gene; cysteine substitutions in the EGF-like domains represent the majority of pathogenic missense changes associated with FBN1-related disorders (PMID: 12938084); This variant is associated with the following publications: (PMID: 35982159, 33057194, 12938084)